The following is an entry in ClinVar:

NM_032578.4(MYPN):c.458A>G (p.Lys153Arg)

Gene: MYPN (myopalladin; plus strand). Cytogenetic location: 10q21.3.
Variant type: single nucleotide variant.
Coding change: c.458A>G on transcript NM_032578.4 (MANE Select); coding-DNA position 458, A replaced by G.
Protein change: p.Lys153Arg; replaces lysine 153 with arginine.
Molecular consequence: missense variant. On other transcripts: 5 prime UTR variant (1), non-coding transcript variant (1).
Genome position (GRCh38, 1-based): chr10:68,121,896, A>G. VCF-style: chr10-68121896-A-G. GRCh37 (hg19) VCF-style: chr10-69881653-A-G.
Other names: c.458A>G (LRG_410t1); c.458A>G, p.Lys153Arg (NM_001256267.2); c.-665A>G (NM_001256268.2); short protein forms K153R.
Identifiers: ClinVar variation 31812 (VCV000031812.12), dbSNP rs199476401, ClinGen allele CA215320.
Genomic context (GRCh38, chr10:68,121,896, plus strand): 5'-AGGAGGCAAAAAGGCCACAGTATTGTTCTGAAACCCAGTCCAAAAAAGTATTTTTAAATA[A>G]GGCTGCCGACTTCATTGAAGAGCTATCCTCCCTTTTCAAATCCCACAGCTCCAAAAGGAT-3'
Protein context (NP_115967.2, residues 143-163): ETQSKKVFLN[Lys153Arg]AADFIEELSS

ClinVar aggregate classification (germline): Conflicting classifications of pathogenicity. Review status: criteria provided, conflicting classifications (1 of 4 stars). 4 submissions from 4 submitters: Likely pathogenic (1); Uncertain significance (1). 2 of the submissions do not count toward it. Last evaluated 2023-08-17.

Conditions:
Dilated cardiomyopathy 1KK (CMD1KK). Identifiers: Orphanet 154, Orphanet 75249, MedGen C3714995, MONDO:0014100, OMIM 615248.
Primary dilated cardiomyopathy (DCM). Also called: Dilated Cardiomyopathy. Identifiers: Orphanet 217604, MedGen C0007193, MeSH D002311, MONDO:0005021, HP:0001644. Inheritance: Various modes of inheritance.

Allele frequency attached by ClinVar (database versions not stated): gnomAD 0.00002; TOPMed 0.00001.
gnomAD v4.1: 27 of 1,614,120 alleles (0.0017%); highest among the groups gnomAD compares: Non-Finnish European, 0.0021%; no homozygotes.

Submissions (4):

Labcorp Genetics (formerly Invitae), Labcorp
Classification: Uncertain significance for Dilated cardiomyopathy 1KK. Last evaluated: 2023-08-17. Review status: criteria provided, single submitter. Criteria: Invitae Variant Classification Sherloc (09022015). Collection method: clinical testing. Allele origin: germline.
Comment: In summary, the available evidence is currently insufficient to determine the role of this variant in disease. Therefore, it has been classified as a Variant of Uncertain Significance. Experimental studies are conflicting or provide insufficient evidence to determine the effect of this variant on MYPN function (PMID: 22286171). An algorithm developed to predict the effect of missense changes on protein structure and function (PolyPhen-2) suggests that this variant is likely to be disruptive. ClinVar contains an entry for this variant (Variation ID: 31812). This missense change has been observed in individual(s) with hypertrophic cardiomyopathy or left ventricular non-compaction (PMID: 22286171, 33049752). This variant is present in population databases (rs199476401, gnomAD 0.02%). This sequence change replaces lysine, which is basic and polar, with arginine, which is basic and polar, at codon 153 of the MYPN protein (p.Lys153Arg).

Institute Of Molecular Biology And Genetics, Federal Almazov National Medical Research Centre
Classification: Likely pathogenic for Primary dilated cardiomyopathy. Last evaluated: 2017-10-10. Review status: criteria provided, single submitter. Criteria: ACMG Guidelines, 2015. Collection method: research. Allele origin: germline. Inheritance: Autosomal dominant inheritance. Affected: yes.

ClinVar Staff, National Center for Biotechnology Information (NCBI)
Classification: Uncertain significance for Dilated cardiomyopathy 1KK. Last evaluated: 2013-06-27. Review status: no assertion criteria provided. Collection method: literature only. Allele origin: germline. Affected: yes. Not counted in ClinVar's aggregate classification.

Leiden Muscular Dystrophy (MYPN)
No classification provided. Last evaluated: 2012-04-27. Review status: no classification provided. Collection method: curation. Allele origin: germline. Not counted in ClinVar's aggregate classification.

Literature cited by the submitters: PubMed 22286171 (cited by Labcorp Genetics (formerly Invitae), Labcorp and ClinVar Staff, National Center for Biotechnology Information (NCBI)); PubMed 33049752 (cited by Labcorp Genetics (formerly Invitae), Labcorp).